The following is an entry in ClinVar:

ClinVar aggregate classification (germline): Pathogenic (1 of 4 stars; one submission).

Conditions:
Inborn genetic diseases. Identifiers: MedGen C0950123, MeSH D030342.

Submission:

Ambry Genetics
Classification: Pathogenic for Inborn genetic diseases. Last evaluated: 2022-10-27. Review status: criteria provided, single submitter. Criteria: Ambry Variant Classification Scheme 2023. Collection method: clinical testing. Allele origin: germline.
Comment: The c.887_888delAT (p.Y296Cfs*9) alteration, located in exon 10 (coding exon 10) of the PNPT1 gene, consists of a deletion of 2 nucleotides from position 887 to 888, causing a translational frameshift with a predicted alternate stop codon after 9 amino acids. This alteration is expected to result in loss of function by premature protein truncation or nonsense-mediated mRNA decay. This allele was reported in one heterozygous individual in population-based cohorts in the Genome Aggregation Database (gnomAD). Based on the available evidence, this alteration is classified as pathogenic.

NM_033109.5(PNPT1):c.887_888del (p.Tyr296fs)

Gene: PNPT1 (polyribonucleotide nucleotidyltransferase 1; minus strand). Cytogenetic location: 2p16.1.
Variant type: Deletion.
Coding change: c.887_888del on transcript NM_033109.5 (MANE Select); coding-DNA positions 887 to 888, 2 bases deleted (AT; older notation c.887_888delAT).
Protein change: p.Tyr296fs; shifts the reading frame from tyrosine 296.
Molecular consequence: frameshift variant.
Genome position (GRCh38, 1-based): chr2:55,672,025-55,672,026, AT deleted on the plus strand (AT on the coding strand, the reverse complement: PNPT1 is on the minus strand); deleting any 2 consecutive bases within chr2:55,672,025-55,672,027 gives the same sequence; the c. name uses the placement nearest the transcript's 3' end. VCF-style (leftmost placement, unchanged base first): chr2-55672024-CAT-C. GRCh37 (hg19) VCF-style: chr2-55899159-CAT-C.
Other names: short protein forms Y296fs.
Identifiers: ClinVar variation 2312554 (VCV002312554.2), dbSNP rs1400164853, ClinGen allele CA426173689.